The following is an entry in ClinVar:

NM_001077446.4(TSEN34):c.94A>C (p.Thr32Pro)

Gene: TSEN34 (tRNA splicing endonuclease subunit 34; plus strand). Cytogenetic location: 19q13.42.
Variant type: single nucleotide variant.
Coding change: c.94A>C on transcript NM_001077446.4 (MANE Select); coding-DNA position 94, A replaced by C.
Protein change: p.Thr32Pro; replaces threonine 32 with proline.
Molecular consequence: missense variant.
Genome position (GRCh38, 1-based): chr19:54,191,458, A>C. VCF-style: chr19-54191458-A-C. GRCh37 (hg19) VCF-style: chr19-54695309-A-C.
Other names: c.94A>C, p.Thr32Pro (NM_001282332.2, NM_001282333.2, NM_001386740.1 and 1 more transcripts); short protein forms T32P.
Identifiers: ClinVar variation 426378 (VCV000426378.5), dbSNP rs746020777, ClinGen allele CA309372747.
Genomic context (GRCh38, chr19:54,191,458, plus strand): 5'-CTGGTGTGGGGAGCCGAGGCGGTGCAGGCCCTCCGGGAGCGCCTGGGTGTGGGGGGCCGC[A>C]CGGTAGGCGCCCTGCCCCGCGGGCCCCGCCAGAACTCGCGCCTGGGCCTCCCGCTGCTGC-3'
Protein context (NP_001070914.1, residues 22-42): LRERLGVGGR[Thr32Pro]VGALPRGPRQ

ClinVar aggregate classification (germline): Uncertain significance. Review status: criteria provided, multiple submitters, no conflicts (2 of 4 stars). 2 submissions from 2 submitters: Uncertain significance (2). Last evaluated 2021-12-21.

Allele frequency attached by ClinVar (database versions not stated): ExAC below 0.00001; TOPMed 0.00001; gnomAD 0.00003; gnomAD exomes 0.00004.
gnomAD v4.1: 14 of 1,547,876 alleles (0.0009%); highest among the groups gnomAD compares: Admixed American, 0.018%; no homozygotes.

Submissions (2):

Ambry Genetics
Classification: Uncertain significance. Last evaluated: 2021-12-21. Review status: criteria provided, single submitter. Criteria: Ambry Variant Classification Scheme 2023. Collection method: clinical testing. Allele origin: germline.

GeneDx
Classification: Uncertain significance. Last evaluated: 2017-04-19. Review status: criteria provided, single submitter. Criteria: GeneDx Variant Classification (06012015). Collection method: clinical testing. Allele origin: germline. Affected: yes.
Comment: A variant of uncertain significance has been identified in the TSEN34 gene. The T32P variant has not been published as a pathogenic variant, nor has it been reported as a benign variant to our knowledge. The T32P variant is not observed in large population cohorts (Lek et al., 2016; 1000 Genomes Consortium et al., 2015; Exome Variant Server). The T32P variant is a non-conservative amino acid substitution, which is likely to impact secondary protein structure as these residues differ in polarity, charge, size and/or other properties. However, this substitution occurs at a position that is not conserved. In silico analysis is inconsistent in its predictions as to whether or not the variant is damaging to the protein structure/function. Therefore, based on the currently available information, it is unclear whether this variant is a pathogenic variant or a rare benign variant.